The following is an entry in ClinVar:

ClinVar aggregate classification (germline): Pathogenic (1 of 4 stars; one submission).

Conditions:
Granulomatous disease, chronic, X-linked. Also called: CYTOCHROME b-NEGATIVE GRANULOMATOUS DISEASE, CHRONIC, X-LINKED; GRANULOMATOUS DISEASE, CHRONIC, X-LINKED, SOMATIC MOSAIC. Identifiers: Orphanet 379, MedGen C1844376, MONDO:0010600, OMIM 306400.

Submission:

Labcorp Genetics (formerly Invitae), Labcorp
Classification: Pathogenic for Granulomatous disease, chronic, X-linked. Last evaluated: 2020-07-25. Review status: criteria provided, single submitter. Criteria: Invitae Variant Classification Sherloc (09022015). Collection method: clinical testing. Allele origin: germline.
Comment: For these reasons, this variant has been classified as Pathogenic. Donor and acceptor splice site variants typically lead to a loss of protein function (PMID: 16199547), and loss-of-function variants in CYBB are known to be pathogenic (PMID: 9585602, 20729109). Algorithms developed to predict the effect of sequence changes on RNA splicing suggest that this variant may disrupt the consensus splice site, but this prediction has not been confirmed by published transcriptional studies. Disruption of this splice site has been observed in individual(s) with chronic granulomatous disease (PMID: 29560547, 20729109). This variant is not present in population databases (ExAC no frequency). This sequence change affects an acceptor splice site in intron 6 of the CYBB gene. It is expected to disrupt RNA splicing and likely results in an absent or disrupted protein product.

Literature cited by the submitters: PubMed 16199547; PubMed 9585602; PubMed 20729109; PubMed 29560547.

NM_000397.4(CYBB):c.675-2A>G

Gene: CYBB (cytochrome b-245 beta chain; plus strand). Cytogenetic location: Xp21.1.
Variant type: single nucleotide variant.
Coding change: c.675-2A>G on transcript NM_000397.4 (MANE Select); the canonical splice acceptor site of the intron before coding-DNA position 675, A replaced by G.
Molecular consequence: splice acceptor variant.
Genome position (GRCh38, 1-based): chrX:37,798,953, A>G. VCF-style: chrX-37798953-A-G. GRCh37 (hg19) VCF-style: chrX-37658206-A-G.
Identifiers: ClinVar variation 1071577 (VCV001071577.9), dbSNP rs2146813622, ClinGen allele CA412976465.